The following is an entry in ClinVar:

NM_015662.3(IFT172):c.1315dup (p.His439fs)

Gene: IFT172 (intraflagellar transport 172; minus strand). Cytogenetic location: 2p23.3.
Variant type: Duplication.
Coding change: c.1315dup on transcript NM_015662.3 (MANE Select); coding-DNA position 1315, one base duplicated (C; older notation c.1315dupC).
Protein change: p.His439fs; shifts the reading frame from histidine 439.
Molecular consequence: frameshift variant.
Genome position (GRCh38, 1-based): chr2:27,477,227, G duplicated on the plus strand (C on the coding strand, the reverse complement: IFT172 is on the minus strand); the first of 5 consecutive G bases (chr2:27,477,227-27,477,231); duplicating any one gives the same sequence. VCF-style (leftmost placement, unchanged base first): chr2-27477226-T-TG. GRCh37 (hg19) VCF-style: chr2-27700093-T-TG.
Other names: c.1311dup, p.His439Profs (NM_001410739.1); short protein forms H439fs.
Identifiers: ClinVar variation 2021031 (VCV002021031.4), dbSNP rs2465984168, ClinGen allele CA2580066246.
Genomic context (GRCh38, chr2:27,477,226, plus strand): 5'-CAAAAGGAATTATTCTGGGTTTCAGGGATTCAGAGAATCTTGTGAGGTTACCTGATGAGG[T>TG]GGGGGTTCATGAATTCAGTGCGTACAGAACCCAGGGTGTCATTATTCCCATATTCCACCA-3'

ClinVar aggregate classification (germline): Pathogenic (1 of 4 stars; one submission).

Conditions:
Short-rib thoracic dysplasia 10 with or without polydactyly (SRTD10). Identifiers: Orphanet 474, MedGen C3810175, MONDO:0014284, OMIM 615630.
Retinitis pigmentosa 71 (RP71). Identifiers: Orphanet 791, MedGen C4225342, MONDO:0014618, OMIM 616394.

Submission:

Labcorp Genetics (formerly Invitae), Labcorp
Classification: Pathogenic for Retinitis pigmentosa 71; Short-rib thoracic dysplasia 10 with or without polydactyly. Last evaluated: 2025-06-01. Review status: criteria provided, single submitter. Criteria: Invitae Variant Classification Sherloc (09022015). Collection method: clinical testing. Allele origin: germline.
Comment: This sequence change creates a premature translational stop signal (p.His439Profs*8) in the IFT172 gene. It is expected to result in an absent or disrupted protein product. Loss-of-function variants in IFT172 are known to be pathogenic (PMID: 24140113). This variant is not present in population databases (gnomAD no frequency). This variant has not been reported in the literature in individuals affected with IFT172-related conditions. ClinVar contains an entry for this variant (Variation ID: 2021031). For these reasons, this variant has been classified as Pathogenic.

Literature cited by the submitters: PubMed 24140113.